The following is an entry in ClinVar:

NM_006767.4(LZTR1):c.916A>C (p.Thr306Pro)

Gene: LZTR1 (leucine zipper like post translational regulator 1; plus strand). Cytogenetic location: 22q11.21.
Variant type: single nucleotide variant.
Coding change: c.916A>C on transcript NM_006767.4 (MANE Select); coding-DNA position 916, A replaced by C.
Protein change: p.Thr306Pro; replaces threonine 306 with proline.
Molecular consequence: missense variant.
Genome position (GRCh38, 1-based): chr22:20,991,752, A>C. VCF-style: chr22-20991752-A-C. GRCh37 (hg19) VCF-style: chr22-21346041-A-C.
Other names: short protein forms T306P.
Identifiers: ClinVar variation 5023768 (VCV005023768.1).
Genomic context (GRCh38, chr22:20,991,752, plus strand): 5'-GGGCATACCATGGTGGCCTTTGACCGCCACCTCTATGTGTTTGGGGGTGCGGCCGACAAC[A>C]CGCTGCCCAACGAGCTGCACTGCTATGACGTGGACTTCCAGACCTGGGAGGTCGTCCAGC-3'
Protein context (NP_006758.2, residues 296-316): LYVFGGAADN[Thr306Pro]LPNELHCYDV

ClinVar aggregate classification (germline): Uncertain significance (1 of 4 stars; one submission).

Conditions:
Cardiovascular phenotype. Identifiers: MedGen CN230736.
Hereditary cancer-predisposing syndrome. Also called: Neoplastic Syndromes, Hereditary; Tumor predisposition; Hereditary neoplastic syndrome; Hereditary Cancer Syndrome. Identifiers: Orphanet 140162, MedGen C0027672, MeSH D009386, MONDO:0015356.

Submission:

Ambry Genetics
Classification: Uncertain significance for Cardiovascular phenotype; Hereditary cancer-predisposing syndrome. Last evaluated: 2026-07-16. Review status: criteria provided, single submitter. Criteria: Ambry Variant Classification Scheme 2023. Collection method: clinical testing. Allele origin: germline.
Comment: The p.T306P variant (also known as c.916A>C), located in coding exon 9 of the LZTR1 gene, results from an A to C substitution at nucleotide position 916. The threonine at codon 306 is replaced by proline, an amino acid with highly similar properties. This amino acid position is highly conserved in available vertebrate species. In addition, the in silico prediction for this alteration is inconclusive. Based on the available evidence, the clinical significance of this variant remains unclear.